The following is an entry in ClinVar:

NM_004656.4(BAP1):c.1810G>T (p.Val604Leu)

Gene: BAP1 (BRCA1 associated deubiquitinase 1; minus strand). Cytogenetic location: 3p21.1.
Variant type: single nucleotide variant.
Coding change: c.1810G>T on transcript NM_004656.4 (MANE Select); coding-DNA position 1810, G replaced by T.
Protein change: p.Val604Leu; replaces valine 604 with leucine.
Molecular consequence: missense variant.
Genome position (GRCh38, 1-based): chr3:52,403,218, C>A on the plus strand (G>T on the coding strand, the complement: BAP1 is on the minus strand). VCF-style: chr3-52403218-C-A. GRCh37 (hg19) VCF-style: chr3-52437234-C-A.
Other names: c.1810G>T (NM_004656.2); short protein forms V604L.
Identifiers: ClinVar variation 630619 (VCV000630619.10), dbSNP rs369065146, ClinGen allele CA353098625.

ClinVar aggregate classification (germline): Conflicting classifications of pathogenicity. Review status: criteria provided, conflicting classifications (1 of 4 stars). 4 submissions from 4 submitters: Uncertain significance (3); Likely benign (1). Last evaluated 2026-04-23.

Conditions:
Hereditary cancer-predisposing syndrome. Also called: Tumor predisposition; Hereditary Cancer Syndrome; Neoplastic Syndromes, Hereditary; Hereditary neoplastic syndrome. Identifiers: Orphanet 140162, MedGen C0027672, MeSH D009386, MONDO:0015356.
BAP1-related tumor predisposition syndrome (TPDS1). Also called: Tumor susceptibility linked to germline BAP1 mutations; BAP1 tumor predisposition syndrome; COMMON Syndrome; TUMOR PREDISPOSITION SYNDROME 1. Identifiers: Orphanet 289539, MedGen C3280492, MONDO:0013692, OMIM 614327.

gnomAD v4.1: 1 of 1,614,202 alleles (0.000062%); highest among the groups gnomAD compares: South Asian, 0.0011%; no homozygotes.

Submissions (4):

Ambry Genetics
Classification: Likely benign for Hereditary cancer-predisposing syndrome. Last evaluated: 2026-04-23. Review status: criteria provided, single submitter. Criteria: Ambry Variant Classification Scheme 2023. Collection method: clinical testing. Allele origin: germline.

Center for Genomic Medicine, Rigshospitalet, Copenhagen University Hospital
Classification: Uncertain significance. Last evaluated: 2025-12-29. Review status: criteria provided, single submitter. Criteria: ACMG Guidelines, 2015. Collection method: clinical testing. Allele origin: germline.

Labcorp Genetics (formerly Invitae), Labcorp
Classification: Uncertain significance for BAP1-related tumor predisposition syndrome. Last evaluated: 2024-06-13. Review status: criteria provided, single submitter. Criteria: Invitae Variant Classification Sherloc (09022015). Collection method: clinical testing. Allele origin: germline.
Comment: This sequence change replaces valine, which is neutral and non-polar, with leucine, which is neutral and non-polar, at codon 604 of the BAP1 protein (p.Val604Leu). This variant is not present in population databases (gnomAD no frequency). This variant has not been reported in the literature in individuals affected with BAP1-related conditions. ClinVar contains an entry for this variant (Variation ID: 630619). Advanced modeling of protein sequence and biophysical properties (such as structural, functional, and spatial information, amino acid conservation, physicochemical variation, residue mobility, and thermodynamic stability) performed at Invitae indicates that this missense variant is not expected to disrupt BAP1 protein function with a negative predictive value of 80%. In summary, the available evidence is currently insufficient to determine the role of this variant in disease. Therefore, it has been classified as a Variant of Uncertain Significance.

Color Diagnostics, LLC DBA Color Health
Classification: Uncertain significance for Hereditary cancer-predisposing syndrome. Last evaluated: 2022-03-29. Review status: criteria provided, single submitter. Criteria: ACMG Guidelines, 2015. Collection method: clinical testing. Allele origin: germline.
Comment: This missense variant replaces valine with leucine at codon 604 of the BAP1 protein. Computational prediction suggests that this variant may not impact protein structure and function (internally defined REVEL score threshold <= 0.5, PMID: 27666373). To our knowledge, functional studies have not been reported for this variant. This variant has not been reported in individuals affected with hereditary cancer in the literature. This variant has not been identified in the general population by the Genome Aggregation Database (gnomAD). The available evidence is insufficient to determine the role of this variant in disease conclusively. Therefore, this variant is classified as a Variant of Uncertain Significance.